The following is an entry in ClinVar:

ClinVar aggregate classification (germline): Uncertain significance (1 of 4 stars; one submission).

Conditions:
Familial cancer of breast. Also called: Hereditary breast cancer; hereditary breast carcinoma; BREAST CANCER, FAMILIAL. Identifiers: Orphanet 227535, MedGen C0346153, MONDO:0016419, OMIM 114480. Disease mechanism: loss of function.

Submission:

Labcorp Genetics (formerly Invitae), Labcorp
Classification: Uncertain significance for Familial cancer of breast. Last evaluated: 2026-01-10. Review status: criteria provided, single submitter. Criteria: Invitae Variant Classification Sherloc (09022015). Collection method: clinical testing. Allele origin: germline.
Comment: This sequence change replaces threonine, which is neutral and polar, with serine, which is neutral and polar, at codon 387 of the CHEK2 protein (p.Thr387Ser). This variant is not present in population databases (gnomAD no frequency). This missense change has been observed in individual(s) with breast cancer and/or colorectal cancer (PMID: 28135145, 30851065). ClinVar contains an entry for this variant (Variation ID: 1518123). An algorithm developed to predict the effect of missense changes on protein structure and function (PolyPhen-2) suggests that this variant is likely to be disruptive. Experimental studies have shown that this missense change affects CHEK2 function (PMID: 30851065). In summary, the available evidence is currently insufficient to determine the role of this variant in disease. Therefore, it has been classified as a Variant of Uncertain Significance.

Literature cited by the submitters: PubMed 28135145; PubMed 30851065.

NM_007194.4(CHEK2):c.1159A>T (p.Thr387Ser)

Gene: CHEK2 (checkpoint kinase 2; minus strand). Cytogenetic location: 22q12.1.
Variant type: single nucleotide variant.
Coding change: c.1159A>T on transcript NM_007194.4 (MANE Select); coding-DNA position 1159, A replaced by T.
Protein change: p.Thr387Ser; replaces threonine 387 with serine.
Molecular consequence: missense variant.
Genome position (GRCh38, 1-based): chr22:28,695,810, T>A on the plus strand (A>T on the coding strand, the complement: CHEK2 is on the minus strand). VCF-style: chr22-28695810-T-A. GRCh37 (hg19) VCF-style: chr22-29091798-T-A.
Other names: c.1288A>T, p.Thr430Ser (NM_001005735.3); c.496A>T, p.Thr166Ser (NM_001257387.3); c.958A>T, p.Thr320Ser (NM_001349956.3); c.1072A>T, p.Thr358Ser (NM_145862.3); short protein forms T387S, T430S, T320S, T358S, T166S.
Identifiers: ClinVar variation 1518123 (VCV001518123.9), dbSNP rs771387164, ClinGen allele CA411096861.